The following is an entry in ClinVar:

NM_003482.4(KMT2D):c.10355+1G>T

Gene: KMT2D (lysine methyltransferase 2D; minus strand). Cytogenetic location: 12q13.12.
Variant type: single nucleotide variant.
Coding change: c.10355+1G>T on transcript NM_003482.4 (MANE Select); the canonical splice donor site of the intron after coding-DNA position 10355, G replaced by T.
Molecular consequence: splice donor variant.
Genome position (GRCh38, 1-based): chr12:49,034,811, C>A on the plus strand (G>T on the coding strand, the complement: KMT2D is on the minus strand). VCF-style: chr12-49034811-C-A. GRCh37 (hg19) VCF-style: chr12-49428594-C-A.
Other names: c.10355+1G>T (NM_003482.3).
Identifiers: ClinVar variation 4888338 (VCV004888338.1).
Genomic context (GRCh38, chr12:49,034,811, plus strand): 5'-GCCAAGAAGGGGTGTGACTGGGAAAGAAAAGGGCCAACCCCATTCCAGCCCTGAGTCTTA[C>A]CTGTTCATACCAGGTGCCACCCCAATGCTGCCCTGAGCCATCACTTTCTTGATGCCTTTC-3'

ClinVar aggregate classification (germline): Pathogenic (1 of 4 stars; one submission).

Conditions:
Kabuki syndrome 1 (KABUK1). Also called: KMT2D-Related Kabuki Syndrome. Identifiers: Orphanet 2322, MedGen CN030661, MONDO:0007843, OMIM 147920.

Submission:

New York Genome Center
Classification: Pathogenic for Kabuki syndrome 1. Last evaluated: 2024-01-09. Review status: criteria provided, single submitter. Criteria: NYGC Assertion Criteria 2020. Collection method: clinical testing. Allele origin: de novo. Affected: yes. Observed: 1 variant allele, 1 heterozygote.
Comment: The de novo c.10355+1G>T variant identified in the KMT2D gene is a single nucleotide variant at the +1 splice donor position within intron 36/54. This variant is predicted to alter splicing and lead to an out of frame consequence, resulting in loss of function via premature termination of the protein or nonsense mediated decay. This variant is absent from population databases (gnomADv4.0.0, BRAVO-TOPMed, All of Us) suggesting it is not a common benign variant in the populations represented in those databases. In silico algorithms SpliceAI (Donor Loss, delta Score 1.00) and the Transcript Inferred Pathogenicity Score (TraP; score=0.941, score-percentile >99.9%) predict this variant to alter splicing. This variant is absent from ClinVar and to our current knowledge has not been reported in affected individuals in the literature, though nonsense and frameshift variants downstream have been reported in affected individuals [PMID:21658225]. Given its predicted deleterious nature, absence in population databases, and presence de novo, the heterozygous c.10355+1G>T variant identified in the KMT2D gene is reported as Pathogenic.